The following is an entry in ClinVar:

ClinVar aggregate classification (germline): Uncertain significance (1 of 4 stars; one submission).

Conditions:
Renal coloboma syndrome (PAPRS). Also called: PAPILLORENAL SYNDROME; COLOBOMA OF OPTIC NERVE WITH RENAL DISEASE; PAPILLORENAL SYNDROME WITH MILD OCULAR ABNORMALITIES; CONGENITAL ANOMALIES OF THE KIDNEY AND URINARY TRACT WITH OR WITHOUT OCULAR ABNORMALITIES; CAKUT WITH OR WITHOUT OCULAR ABNORMALITIES; OPTIC COLOBOMA, VESICOURETERAL REFLUX, AND RENAL ANOMALIES. Identifiers: Orphanet 1475, MedGen C1852759, MONDO:0007352, OMIM 120330.
Focal segmental glomerulosclerosis 7 (FSGS7). Identifiers: Orphanet 656, MedGen C4014925, MONDO:0014451, OMIM 616002.

Allele frequency attached by ClinVar (database versions not stated): gnomAD exomes below 0.00001; TOPMed 0.00001.
gnomAD v4.1: 2 of 1,596,558 alleles (0.00013%); highest among the groups gnomAD compares: Admixed American, 0.0035%; no homozygotes.

Submission:

Labcorp Genetics (formerly Invitae), Labcorp
Classification: Uncertain significance for Renal coloboma syndrome; Focal segmental glomerulosclerosis 7. Last evaluated: 2022-04-07. Review status: criteria provided, single submitter. Criteria: Invitae Variant Classification Sherloc (09022015). Collection method: clinical testing. Allele origin: germline.
Comment: This sequence change replaces glutamine, which is neutral and polar, with histidine, which is basic and polar, at codon 144 of the PAX2 protein (p.Gln144His). The frequency data for this variant in the population databases is considered unreliable, as metrics indicate poor data quality at this position in the gnomAD database. This variant has not been reported in the literature in individuals affected with PAX2-related conditions. Algorithms developed to predict the effect of missense changes on protein structure and function are either unavailable or do not agree on the potential impact of this missense change (SIFT: "Not Available"; PolyPhen-2: "Possibly Damaging"; Align-GVGD: "Not Available"). In summary, the available evidence is currently insufficient to determine the role of this variant in disease. Therefore, it has been classified as a Variant of Uncertain Significance.

NM_000278.5(PAX2):c.432G>T (p.Gln144His)

Gene: PAX2 (paired box 2; plus strand). Cytogenetic location: 10q24.31.
Variant type: single nucleotide variant.
Coding change: c.432G>T on transcript NM_000278.5 (MANE Select); coding-DNA position 432, G replaced by T.
Protein change: p.Gln144His; replaces glutamine 144 with histidine.
Molecular consequence: missense variant.
Genome position (GRCh38, 1-based): chr10:100,779,519, G>T. VCF-style: chr10-100779519-G-T. GRCh37 (hg19) VCF-style: chr10-102539276-G-T.
Other names: c.525G>T, p.Gln175His (NM_001304569.2); c.432G>T, p.Gln144His (NM_003987.5, NM_003988.5, NM_003989.5 and 1 more transcripts); short protein forms Q175H, Q144H.
Identifiers: ClinVar variation 2153901 (VCV002153901.4), dbSNP rs895636918, ClinGen allele CA213066626.
Genomic context (GRCh38, chr10:100,779,519, plus strand): 5'-GGGCATTTGATGTGTGATGCTGTTGTGACGCTGTTGCAGAATCATCCGGACCAAAGTTCA[G>T]CAGCCTTTCCACCCAACGCCGGATGGGGCTGGGACAGGAGTGACCGCCCCTGGCCACACC-3'
Protein context (NP_000269.3, residues 134-154): SINRIIRTKV[Gln144His]QPFHPTPDGA